The following is an entry in ClinVar:

ClinVar aggregate classification (germline): Benign/Likely benign. Review status: criteria provided, multiple submitters, no conflicts (2 of 4 stars). 4 submissions from 4 submitters: Benign (2); Likely benign (1). 1 of the submissions does not count toward it. Last evaluated 2026-01-27.

Conditions:
VPS13D-related disorder. Also called: VPS13D-related condition.

Allele frequency attached by ClinVar (database versions not stated): gnomAD exomes 0.00094; ExAC 0.00107; gnomAD 0.00361 and 0.00387; TOPMed 0.00403; ESP Exome Variant Server 0.00415; 1000 Genomes Project 0.00479; 1000 Genomes Project 30x 0.00484.
gnomAD v4.1: 1,151 of 1,614,202 alleles (0.071%); highest among the groups gnomAD compares: African/African-American, 1.3%; 6 homozygotes.

Submissions (4):

Labcorp Genetics (formerly Invitae), Labcorp
Classification: Benign. Last evaluated: 2026-01-27. Review status: criteria provided, single submitter. Criteria: Invitae Variant Classification Sherloc (09022015). Collection method: clinical testing. Allele origin: germline.

CeGaT Center for Human Genetics Tuebingen
Classification: Likely benign. Last evaluated: 2025-01-01. Review status: criteria provided, single submitter. Criteria: CeGaT Center For Human Genetics Tuebingen Variant Classification Criteria Version 2. Collection method: clinical testing. Allele origin: germline. Affected: yes. Observed: 2 variant alleles.
Comment: VPS13D: PP2, BS1

Breakthrough Genomics
Classification: Benign. Review status: criteria provided, single submitter. Criteria: ACMG Guidelines, 2015. Collection method: not provided. Allele origin: germline. Inheritance: Autosomal recessive inheritance. Affected: yes.

PreventionGenetics, part of Exact Sciences
Classification: Benign for VPS13D-related condition. Last evaluated: 2019-02-26. Review status: no assertion criteria provided. Collection method: clinical testing. Allele origin: germline. Not counted in ClinVar's aggregate classification.
Comment: This variant is classified as benign based on ACMG/AMP sequence variant interpretation guidelines (Richards et al. 2015 PMID: 25741868, with internal and published modifications).

NM_015378.4(VPS13D):c.13015C>G (p.Pro4339Ala)

Gene: VPS13D (vacuolar protein sorting 13 homolog D; plus strand). Cytogenetic location: 1p36.21.
Variant type: single nucleotide variant.
Coding change: c.13015C>G on transcript NM_015378.4 (MANE Select); coding-DNA position 13015, C replaced by G.
Protein change: p.Pro4339Ala; replaces proline 4339 with alanine.
Molecular consequence: missense variant.
Genome position (GRCh38, 1-based): chr1:12,507,073, C>G. VCF-style: chr1-12507073-C-G. GRCh37 (hg19) VCF-style: chr1-12567127-C-G.
Other names: c.12940C>G, p.Pro4314Ala (NM_018156.4); short protein forms P4314A, P4339A.
Identifiers: ClinVar variation 711687 (VCV000711687.35), dbSNP rs145495867, ClinGen allele CA604355.